The following is an entry in ClinVar:

NM_004415.4(DSP):c.1045G>C (p.Ala349Pro)

Gene: DSP (desmoplakin; plus strand). Cytogenetic location: 6p24.3.
Variant type: single nucleotide variant.
Coding change: c.1045G>C on transcript NM_004415.4 (MANE Select); coding-DNA position 1045, G replaced by C.
Protein change: p.Ala349Pro; replaces alanine 349 with proline.
Molecular consequence: missense variant.
Genome position (GRCh38, 1-based): chr6:7,567,354, G>C. VCF-style: chr6-7567354-G-C. GRCh37 (hg19) VCF-style: chr6-7567587-G-C.
Other names: c.1045G>C, p.Ala349Pro (NM_001008844.3, NM_001319034.2, NM_001406591.1); short protein forms A349P.
Identifiers: ClinVar variation 1916283 (VCV001916283.7), dbSNP rs2533879491, ClinGen allele CA362675443.

ClinVar aggregate classification (germline): Uncertain significance. Review status: criteria provided, multiple submitters, no conflicts (2 of 4 stars). 3 submissions from 3 submitters: Uncertain significance (3). Last evaluated 2024-06-20.

Conditions:
Arrhythmogenic cardiomyopathy with wooly hair and keratoderma. Also called: Arrhythmogenic cardiomyopathy with woolly hair and keratoderma; PALMOPLANTAR KERATODERMA WITH LEFT VENTRICULAR CARDIOMYOPATHY AND WOOLLY HAIR; Carvajal syndrome; Dilated cardiomyopathy with woolly hair and keratoderma. Identifiers: Orphanet 65282, MedGen C1854063, MONDO:0011581, OMIM 605676.
Arrhythmogenic right ventricular dysplasia 8 (ARVD8). Also called: Arrhythmogenic Right Ventricular Dysplasia/Cardiomyopathy 8; ARRHYTHMOGENIC RIGHT VENTRICULAR DYSPLASIA, FAMILIAL, 8; ARRHYTHMOGENIC RIGHT VENTRICULAR CARDIOMYOPATHY 8. Identifiers: MedGen C1843896, MONDO:0011831, OMIM 607450.
Cardiovascular phenotype. Identifiers: MedGen CN230736.

Submissions (3):

Ambry Genetics
Classification: Uncertain significance for Cardiovascular phenotype. Last evaluated: 2024-06-20. Review status: criteria provided, single submitter. Criteria: Ambry Variant Classification Scheme 2023. Collection method: clinical testing. Allele origin: germline.
Comment: The p.A349P variant (also known as c.1045G>C) is located in coding exon 9 of the DSP gene. The alanine at codon 349 is replaced by proline, an amino acid with highly similar properties. This change occurs in the first base pair of coding exon 9. This variant has been reported in a sudden cardiac death cohort (Mak CM et al. Hong Kong Med J, 2019 Feb;25:21-9). This amino acid position is highly conserved in available vertebrate species. In addition, this alteration is predicted to be deleterious by in silico analysis. Based on the available evidence, the clinical significance of this variant remains unclear.

Blueprint Genetics
Classification: Uncertain significance. Last evaluated: 2022-02-18. Review status: criteria provided, single submitter. Criteria: ACMG Guidelines, 2015. Collection method: clinical testing. Allele origin: germline.

Labcorp Genetics (formerly Invitae), Labcorp
Classification: Uncertain significance for Arrhythmogenic cardiomyopathy with wooly hair and keratoderma; Arrhythmogenic right ventricular dysplasia 8. Last evaluated: 2021-12-13. Review status: criteria provided, single submitter. Criteria: Invitae Variant Classification Sherloc (09022015). Collection method: clinical testing. Allele origin: germline.
Comment: This missense change has been observed in individual(s) with sudden cardiac death (PMID: 30670673). This variant is not present in population databases (gnomAD no frequency). This sequence change replaces alanine, which is neutral and non-polar, with proline, which is neutral and non-polar, at codon 349 of the DSP protein (p.Ala349Pro). Algorithms developed to predict the effect of missense changes on protein structure and function are either unavailable or do not agree on the potential impact of this missense change (SIFT: "Deleterious"; PolyPhen-2: "Probably Damaging"; Align-GVGD: "Class C0"). In summary, the available evidence is currently insufficient to determine the role of this variant in disease. Therefore, it has been classified as a Variant of Uncertain Significance.

Literature cited by the submitters: PubMed 30670673 (cited by Ambry Genetics and Labcorp Genetics (formerly Invitae), Labcorp).